The following is an entry in ClinVar:

NM_001814.6(CTSC):c.593T>A (p.Leu198Gln)

Gene: CTSC (cathepsin C; minus strand). Cytogenetic location: 11q14.2.
Variant type: single nucleotide variant.
Coding change: c.593T>A on transcript NM_001814.6 (MANE Select); coding-DNA position 593, T replaced by A.
Protein change: p.Leu198Gln; replaces leucine 198 with glutamine.
Molecular consequence: missense variant.
Genome position (GRCh38, 1-based): chr11:88,309,211, A>T on the plus strand (T>A on the coding strand, the complement: CTSC is on the minus strand). VCF-style: chr11-88309211-A-T. GRCh37 (hg19) VCF-style: chr11-88042379-A-T.
Other names: short protein forms L198Q.
Identifiers: ClinVar variation 1520087 (VCV001520087.5), dbSNP rs1047809607, ClinGen allele CA225425986.

ClinVar aggregate classification (germline): Uncertain significance (1 of 4 stars; one submission).

Conditions:
Periodontitis, aggressive. Identifiers: MedGen C0031106, MONDO:0980757.
Papillon-Lefèvre syndrome (PALS). Also called: KERATOSIS PALMOPLANTARIS WITH PERIODONTOPATHIA; Papillon-Lefevre Disease. Identifiers: Orphanet 678, MedGen C0030360, MONDO:0009490, OMIM 245000.
Haim-Munk syndrome (HMS). Also called: COCHIN JEWISH DISORDER; KERATOSIS PALMOPLANTARIS WITH PERIODONTOPATHIA AND ONYCHOGRYPOSIS. Identifiers: Orphanet 2342, MedGen C1855627, MONDO:0009491, OMIM 245010.

Allele frequency attached by ClinVar (database versions not stated): gnomAD exomes below 0.00001.
gnomAD v4.1: 2 of 1,614,066 alleles (0.00012%); highest among the groups gnomAD compares: Admixed American, 0.0017%; no homozygotes.

Submission:

Labcorp Genetics (formerly Invitae), Labcorp
Classification: Uncertain significance for Haim-Munk syndrome; Periodontitis, aggressive; Papillon-Lefèvre syndrome. Last evaluated: 2022-02-10. Review status: criteria provided, single submitter. Criteria: Invitae Variant Classification Sherloc (09022015). Collection method: clinical testing. Allele origin: germline.
Comment: This sequence change replaces leucine, which is neutral and non-polar, with glutamine, which is neutral and polar, at codon 198 of the CTSC protein (p.Leu198Gln). This variant is not present in population databases (gnomAD no frequency). This variant has not been reported in the literature in individuals affected with CTSC-related conditions. Algorithms developed to predict the effect of missense changes on protein structure and function are either unavailable or do not agree on the potential impact of this missense change (SIFT: "Not Available"; PolyPhen-2: "Possibly Damaging"; Align-GVGD: "Not Available"). In summary, the available evidence is currently insufficient to determine the role of this variant in disease. Therefore, it has been classified as a Variant of Uncertain Significance.